The following is an entry in ClinVar:

ClinVar aggregate classification (germline): Uncertain significance (1 of 4 stars; one submission).

Allele frequency attached by ClinVar (database versions not stated): gnomAD exomes below 0.00001.

Submission:

Labcorp Genetics (formerly Invitae), Labcorp
Classification: Uncertain significance. Last evaluated: 2025-04-16. Review status: criteria provided, single submitter. Criteria: Invitae Variant Classification Sherloc (09022015). Collection method: clinical testing. Allele origin: germline.
Comment: This sequence change replaces glutamic acid, which is acidic and polar, with lysine, which is basic and polar, at codon 1093 of the IMPG2 protein (p.Glu1093Lys). This variant is not present in population databases (gnomAD no frequency). This variant has not been reported in the literature in individuals affected with IMPG2-related conditions. ClinVar contains an entry for this variant (Variation ID: 1011302). Invitae Evidence Modeling of protein sequence and biophysical properties (such as structural, functional, and spatial information, amino acid conservation, physicochemical variation, residue mobility, and thermodynamic stability) indicates that this missense variant is expected to disrupt IMPG2 protein function with a positive predictive value of 80%. In summary, the available evidence is currently insufficient to determine the role of this variant in disease. Therefore, it has been classified as a Variant of Uncertain Significance.

NM_016247.4(IMPG2):c.3277G>A (p.Glu1093Lys)

Gene: IMPG2 (interphotoreceptor matrix proteoglycan 2; minus strand). Cytogenetic location: 3q12.3.
Variant type: single nucleotide variant.
Coding change: c.3277G>A on transcript NM_016247.4 (MANE Select); coding-DNA position 3277, G replaced by A.
Protein change: p.Glu1093Lys; replaces glutamic acid 1093 with lysine.
Molecular consequence: missense variant.
Genome position (GRCh38, 1-based): chr3:101,231,102, C>T on the plus strand (G>A on the coding strand, the complement: IMPG2 is on the minus strand). VCF-style: chr3-101231102-C-T. GRCh37 (hg19) VCF-style: chr3-100949946-C-T.
Other names: short protein forms E1093K.
Identifiers: ClinVar variation 1011302 (VCV001011302.8), dbSNP rs1706281344, ClinGen allele CA353848983.